The following is an entry in ClinVar:

NM_001853.4(COL9A3):c.80G>A (p.Arg27Lys)

Gene: COL9A3 (collagen type IX alpha 3 chain; plus strand). Cytogenetic location: 20q13.33.
Variant type: single nucleotide variant.
Coding change: c.80G>A on transcript NM_001853.4 (MANE Select); coding-DNA position 80, G replaced by A.
Protein change: p.Arg27Lys; replaces arginine 27 with lysine.
Molecular consequence: missense variant.
Genome position (GRCh38, 1-based): chr20:62,817,568, G>A. VCF-style: chr20-62817568-G-A. GRCh37 (hg19) VCF-style: chr20-61448920-G-A.
Other names: short protein forms R27K.
Identifiers: ClinVar variation 4983574 (VCV004983574.1).

ClinVar aggregate classification (germline): Uncertain significance (1 of 4 stars; one submission).

Conditions:
COL9A3-related disorder. Also called: COL9A3-related condition.

Submission:

PreventionGenetics, part of Exact Sciences
Classification: Uncertain significance for COL9A3-related condition. Last evaluated: 2025-05-30. Review status: criteria provided, single submitter. Criteria: ACMG Guidelines, 2015. Collection method: clinical testing. Allele origin: germline.
Comment: The COL9A3 c.80G>A variant is predicted to result in the amino acid substitution p.Arg27Lys. To our knowledge, this variant has not been reported in the literature or in a large population database (gnomAD), indicating this variant is rare. At this time, the clinical significance of this variant is uncertain due to the absence of conclusive functional and genetic evidence.